The following is an entry in ClinVar:

ClinVar aggregate classification (germline): Uncertain significance. Review status: criteria provided, multiple submitters, no conflicts (2 of 4 stars). 5 submissions from 5 submitters: Uncertain significance (5). Last evaluated 2025-12-24.

Conditions:
Hyperkalemic periodic paralysis. Also called: Familial hyperkalemic periodic paralysis; Gamstorp disease. Identifiers: Orphanet 682, MedGen C0238357, MONDO:0008224, OMIM 170500, HP:0007215.
Paramyotonia congenita of Von Eulenburg. Also called: PARALYSIS PERIODICA PARAMYOTONICA; Paramyotonia Congenita; Eulenburg disease; Myotonia congenita intermittens; Von Eulenburg paramyotonia congenita. Identifiers: Orphanet 684, MedGen C0221055, MONDO:0008195, OMIM 168300. Disease mechanism: loss of function.
Hypokalemic periodic paralysis, type 2 (HOKPP2). Identifiers: Orphanet 681, MedGen C2750061, MONDO:0013234, OMIM 613345.
Potassium-aggravated myotonia. Also called: MYOTONIA CONGENITA, ACETAZOLAMIDE-RESPONSIVE; MYOTONIA CONGENITA, ATYPICAL; Myotonia congenita, atypical, acetazolamide-responsive; SODIUM CHANNEL MUSCLE DISEASE. Identifiers: Orphanet 612, Orphanet 99734, Orphanet 99735, Orphanet 99736, MedGen C2931826, MONDO:0018959, OMIM 608390.
Congenital myasthenic syndrome 16. Identifiers: Orphanet 590, MedGen C3280112, MONDO:0013620, OMIM 614198.
Congenital myopathy 22A, classic (CMYO22A). Identifiers: MedGen C5830453, MONDO:0957247, OMIM 620351.
Congenital myopathy 22B, severe fetal (CMYO22B). Identifiers: MedGen C5830501, MONDO:0957265, OMIM 620369.

Submissions (5):

Labcorp Genetics (formerly Invitae), Labcorp
Classification: Uncertain significance for Hyperkalemic periodic paralysis. Last evaluated: 2025-12-24. Review status: criteria provided, single submitter. Criteria: Invitae Variant Classification Sherloc (09022015). Collection method: clinical testing. Allele origin: germline.
Comment: This variant, c.2585_2602del, results in the deletion of 6 amino acid(s) of the SCN4A protein (p.Asp862_Ala867del), but otherwise preserves the integrity of the reading frame. This variant is present in population databases (rs776181227, gnomAD 0.008%). This variant has not been reported in the literature in individuals affected with SCN4A-related conditions. ClinVar contains an entry for this variant (Variation ID: 477406). Experimental studies and prediction algorithms are not available or were not evaluated, and the functional significance of this variant is currently unknown. In summary, the available evidence is currently insufficient to determine the role of this variant in disease. Therefore, it has been classified as a Variant of Uncertain Significance.

Fulgent Genetics
Classification: Uncertain significance for Paramyotonia congenita of Von Eulenburg; Hyperkalemic periodic paralysis; Potassium-aggravated myotonia; Hypokalemic periodic paralysis, type 2; Congenital myasthenic syndrome 16; Congenital myopathy 22A, classic; Congenital myopathy 22B, severe fetal. Last evaluated: 2024-05-07. Review status: criteria provided, single submitter. Criteria: ACMG Guidelines, 2015. Collection method: clinical testing. Allele origin: germline.

GeneDx
Classification: Uncertain significance. Last evaluated: 2023-07-17. Review status: criteria provided, single submitter. Criteria: GeneDx Variant Classification Process June 2021. Collection method: clinical testing. Allele origin: germline. Affected: yes.
Comment: Has not been previously published as pathogenic or benign to our knowledge; In-frame deletion of 6 amino acids in a non-repeat region; In silico analysis supports that this variant does not alter protein structure/function

Athena Diagnostics
Classification: Uncertain significance. Last evaluated: 2023-05-03. Review status: criteria provided, single submitter. Criteria: Athena Diagnostics Criteria. Collection method: clinical testing. Allele origin: unknown.
Comment: Available data are insufficient to determine the clinical significance of the variant at this time. The frequency of this variant in the general population is higher than would generally be expected for pathogenic variants in this gene. This variant has been seen where an alternate explanation for disease was also identified, suggesting this variant may not cause disease.

Revvity Omics, Revvity
Classification: Uncertain significance. Last evaluated: 2020-07-22. Review status: criteria provided, single submitter. Criteria: ACMG Guidelines, 2015. Collection method: clinical testing. Allele origin: germline.

NM_000334.4(SCN4A):c.2585_2602del (p.Asp862_Ala867del)

Genes: SCN4A (sodium voltage-gated channel alpha subunit 4; minus strand), GH-LCR (growth hormone locus control region; plus strand). Cytogenetic location: 17q23.3.
Variant type: Deletion.
Coding change: c.2585_2602del on transcript NM_000334.4 (MANE Select); coding-DNA positions 2585 to 2602, 18 bases deleted (ACGGGGCCGGGGAGGCTG).
Protein change: p.Asp862_Ala867del.
Molecular consequence: inframe deletion.
Genome position (GRCh38, 1-based): chr17:63,951,675-63,951,692, CAGCCTCCCCGGCCCCGT deleted on the plus strand (ACGGGGCCGGGGAGGCTG on the coding strand, the reverse complement: SCN4A is on the minus strand); deleting any 18 consecutive bases within chr17:63,951,675-63,951,703 gives the same sequence; the c. name uses the placement nearest the transcript's 3' end. VCF-style (leftmost placement, unchanged base first): chr17-63951674-CCAGCCTCCCCGGCCCCGT-C. GRCh37 (hg19) VCF-style: chr17-62029034-CCAGCCTCCCCGGCCCCGT-C.
Other names: c.2585_2602delACGGGGCCGGGGAGGCTG (NM_000334.4).
Identifiers: ClinVar variation 477406 (VCV000477406.16), dbSNP rs776181227, ClinGen allele CA8709552.